The following is an entry in ClinVar:

ClinVar aggregate classification (germline): Uncertain significance (1 of 4 stars; one submission).

Conditions:
Combined immunodeficiency due to OX40 deficiency. Also called: Immunodeficiency 16; OX40 DEFICIENCY. Identifiers: Orphanet 431149, MedGen C3810053, MONDO:0014268, OMIM 615593.

Submission:

Labcorp Genetics (formerly Invitae), Labcorp
Classification: Uncertain significance for Combined immunodeficiency due to OX40 deficiency. Last evaluated: 2022-10-21. Review status: criteria provided, single submitter. Criteria: Invitae Variant Classification Sherloc (09022015). Collection method: clinical testing. Allele origin: germline.
Comment: In summary, the available evidence is currently insufficient to determine the role of this variant in disease. Therefore, it has been classified as a Variant of Uncertain Significance. This variant has not been reported in the literature in individuals affected with TNFRSF4-related conditions. This variant is not present in population databases (gnomAD no frequency). This sequence change results in a frameshift in the TNFRSF4 gene (p.Pro183Argfs*?). While this is not anticipated to result in nonsense mediated decay, it is expected to disrupt the last 94 amino acid(s) of the TNFRSF4 protein and extend the protein by an uncertain number of additional amino acid residues.

NM_003327.4(TNFRSF4):c.548del (p.Pro183fs)

Gene: TNFRSF4 (TNF receptor superfamily member 4; minus strand). Cytogenetic location: 1p36.33.
Variant type: Deletion.
Coding change: c.548del on transcript NM_003327.4 (MANE Select); coding-DNA position 548, one base deleted (C; older notation c.548delC).
Protein change: p.Pro183fs; shifts the reading frame from proline 183.
Molecular consequence: frameshift variant.
Genome position (GRCh38, 1-based): chr1:1,212,028, G deleted on the plus strand (C on the coding strand, the reverse complement: TNFRSF4 is on the minus strand); the first of 6 consecutive G bases (chr1:1,212,028-1,212,033); deleting any one gives the same sequence. VCF-style (leftmost placement, unchanged base first): chr1-1212027-CG-C. GRCh37 (hg19) VCF-style: chr1-1147407-CG-C.
Other names: c.543delC, p.Pro183Argfs (NM_001410709.1); short protein forms P183fs.
Identifiers: ClinVar variation 2110621 (VCV002110621.4), dbSNP rs1649154808, ClinGen allele CA997674592.